The following is an entry in ClinVar:

NM_004560.4(ROR2):c.922G>A (p.Glu308Lys)

Gene: ROR2 (receptor tyrosine kinase like orphan receptor 2; minus strand). Cytogenetic location: 9q22.31.
Variant type: single nucleotide variant.
Coding change: c.922G>A on transcript NM_004560.4 (MANE Select); coding-DNA position 922, G replaced by A.
Protein change: p.Glu308Lys; replaces glutamic acid 308 with lysine.
Molecular consequence: missense variant.
Genome position (GRCh38, 1-based): chr9:91,733,137, C>T on the plus strand (G>A on the coding strand, the complement: ROR2 is on the minus strand). VCF-style: chr9-91733137-C-T. GRCh37 (hg19) VCF-style: chr9-94495419-C-T.
Other names: c.922G>A, p.Glu308Lys (NM_001318204.2); short protein forms E308K.
Identifiers: ClinVar variation 1365485 (VCV001365485.9), dbSNP rs761854477, ClinGen allele CA5120860.
Genomic context (GRCh38, chr9:91,733,137, plus strand): 5'-ACTCCCTGCGCCCCCCGGTCCCGCCCCGGGCCCTCGGGCACTCACAGCGGCCCAGCCTCT[C>T]GGCTGGGATGCCAATGCGCATGCAGTTGGCAGCGTCGGGGCTCTCAGGCATGGGCAGCGC-3'
Protein context (NP_004551.2, residues 298-318): ANCMRIGIPA[Glu308Lys]RLGRYHQCYN

ClinVar aggregate classification (germline): Uncertain significance. Review status: criteria provided, multiple submitters, no conflicts (2 of 4 stars). 2 submissions from 2 submitters: Uncertain significance (2). Last evaluated 2025-03-31.

Conditions:
Autosomal recessive Robinow syndrome (RRS1). Also called: ROR2-Related Robinow Syndrome; COSTOVERTEBRAL SEGMENTATION DEFECT WITH MESOMELIA; COVESDEM SYNDROME; ROBINOW SYNDROME, AUTOSOMAL RECESSIVE 1. Identifiers: Orphanet 1507, Orphanet 97360, MedGen C5399974, MONDO:0009999, OMIM 268310.
Brachydactyly type B1 (BDB1). Identifiers: Orphanet 572385, Orphanet 93383, MedGen C1862112, MONDO:0007220, OMIM 113000.

Allele frequency attached by ClinVar (database versions not stated): gnomAD 0.00001; gnomAD exomes 0.00001; TOPMed 0.00002.
gnomAD v4.1: 25 of 1,595,736 alleles (0.0016%); highest among the groups gnomAD compares: East Asian, 0.0068%; no homozygotes.

Submissions (2):

Labcorp Genetics (formerly Invitae), Labcorp
Classification: Uncertain significance. Last evaluated: 2025-03-31. Review status: criteria provided, single submitter. Criteria: Invitae Variant Classification Sherloc (09022015). Collection method: clinical testing. Allele origin: germline.
Comment: This sequence change replaces glutamic acid, which is acidic and polar, with lysine, which is basic and polar, at codon 308 of the ROR2 protein (p.Glu308Lys). This variant is present in population databases (rs761854477, gnomAD 0.007%). This variant has not been reported in the literature in individuals affected with ROR2-related conditions. ClinVar contains an entry for this variant (Variation ID: 1365485). Invitae Evidence Modeling of protein sequence and biophysical properties (such as structural, functional, and spatial information, amino acid conservation, physicochemical variation, residue mobility, and thermodynamic stability) indicates that this missense variant is not expected to disrupt ROR2 protein function with a negative predictive value of 80%. In summary, the available evidence is currently insufficient to determine the role of this variant in disease. Therefore, it has been classified as a Variant of Uncertain Significance.

Fulgent Genetics
Classification: Uncertain significance for Brachydactyly type B1; Autosomal recessive Robinow syndrome. Last evaluated: 2024-05-24. Review status: criteria provided, single submitter. Criteria: ACMG Guidelines, 2015. Collection method: clinical testing. Allele origin: germline.